The following is an entry in ClinVar:

ClinVar aggregate classification (germline): Conflicting classifications of pathogenicity. Review status: criteria provided, conflicting classifications (1 of 4 stars). 2 submissions from 2 submitters: Uncertain significance (1); Likely benign (1). Last evaluated 2025-07-14.

Submissions (2):

Ambry Genetics
Classification: Uncertain significance. Last evaluated: 2025-07-14. Review status: criteria provided, single submitter. Criteria: Ambry Variant Classification Scheme 2023. Collection method: clinical testing. Allele origin: germline.

CeGaT Center for Human Genetics Tuebingen
Classification: Likely benign. Last evaluated: 2025-07-01. Review status: criteria provided, single submitter. Criteria: CeGaT Center For Human Genetics Tuebingen Variant Classification Criteria Version 2. Collection method: clinical testing. Allele origin: germline. Affected: yes. Observed: 1 variant allele.
Comment: DNAH3: BP4

NM_001347886.2(DNAH3):c.2362C>T (p.Arg788Trp)

Gene: DNAH3 (dynein axonemal heavy chain 3; minus strand). Cytogenetic location: 16p12.3.
Variant type: single nucleotide variant.
Coding change: c.2362C>T on transcript NM_001347886.2 (MANE Select); coding-DNA position 2362, C replaced by T.
Protein change: p.Arg788Trp; replaces arginine 788 with tryptophan.
Molecular consequence: missense variant.
Genome position (GRCh38, 1-based): chr16:21,098,636, G>A on the plus strand (C>T on the coding strand, the complement: DNAH3 is on the minus strand). VCF-style: chr16-21098636-G-A. GRCh37 (hg19) VCF-style: chr16-21109957-G-A.
Other names: c.2500C>T, p.Arg834Trp (NM_017539.2); c.2500C>T (NM_017539.1); short protein forms R788W, R834W.
Identifiers: ClinVar variation 4084706 (VCV004084706.9).
Genomic context (GRCh38, chr16:21,098,636, plus strand): 5'-CCAGTACAGTGTCATAAGTCCCCATCTCAAGATCCCAAACCTCAAACTCTGCAAACGCCC[G>A]ATTTAGGTTCTTTGAAAGCTCATTAAGCTTTTCAACATTGTGCTTCATTTCTTCTGTAGT-3'
Protein context (NP_001334815.1, residues 778-798): KLNELSKNLN[Arg788Trp]AFAEFELINK